The following is an entry in ClinVar:

NM_001184880.2(PCDH19):c.1888_1891dup (p.Gly631fs)

Gene: PCDH19 (protocadherin 19; minus strand). Cytogenetic location: Xq22.1.
Variant type: Duplication.
Coding change: c.1888_1891dup on transcript NM_001184880.2 (MANE Select); coding-DNA positions 1888 to 1891, 4 bases duplicated (TTCG; older notation c.1888_1891dupTTCG).
Protein change: p.Gly631fs; shifts the reading frame from glycine 631.
Molecular consequence: frameshift variant.
Genome position (GRCh38, 1-based): chrX:100,406,707-100,406,710, CGAA duplicated on the plus strand (TTCG on the coding strand, the reverse complement: PCDH19 is on the minus strand). VCF-style (leftmost placement, unchanged base first): chrX-100406706-C-CCGAA. GRCh37 (hg19) VCF-style: chrX-99661704-C-CCGAA.
Other names: c.1888_1891dup, p.Gly631fs (NM_001105243.2, NM_020766.3); short protein forms G631fs.
Identifiers: ClinVar variation 4731234 (VCV004731234.1).

ClinVar aggregate classification (germline): Pathogenic (1 of 4 stars; one submission).

Conditions:
Developmental and epileptic encephalopathy, 9 (DEE9). Also called: Early infantile epileptic encephalopathy 9; PCDH19-Related X-Linked Female-Limited Epilepsy with Mental Retardation; EPILEPSY, FEMALE-RESTRICTED, WITH MENTAL RETARDATION; JUBERG-HELLMAN SYNDROME. Identifiers: Orphanet 101039, Orphanet 2076, MedGen C1848137, MONDO:0010246, OMIM 300088. Disease mechanism: loss of function.

Submission:

Labcorp Genetics (formerly Invitae), Labcorp
Classification: Pathogenic for Developmental and epileptic encephalopathy, 9. Last evaluated: 2025-11-25. Review status: criteria provided, single submitter. Criteria: Invitae Variant Classification Sherloc (09022015). Collection method: clinical testing. Allele origin: germline.
Comment: This sequence change creates a premature translational stop signal (p.Gly631Valfs*10) in the PCDH19 gene. It is expected to result in an absent or disrupted protein product. Loss-of-function variants in PCDH19 are known to be pathogenic (PMID: 21053371). This variant is not present in population databases (gnomAD no frequency). This variant has not been reported in the literature in individuals affected with PCDH19-related conditions. For these reasons, this variant has been classified as Pathogenic.

Literature cited by the submitters: PubMed 21053371.